The following is an entry in ClinVar:

ClinVar aggregate classification (germline): Uncertain significance (1 of 4 stars; one submission).

Conditions:
Hereditary cancer-predisposing syndrome. Also called: Hereditary Cancer Syndrome; Hereditary neoplastic syndrome; Neoplastic Syndromes, Hereditary; Tumor predisposition. Identifiers: Orphanet 140162, MedGen C0027672, MeSH D009386, MONDO:0015356.

Allele frequency attached by ClinVar (database versions not stated): gnomAD exomes below 0.00001; ExAC 0.00001.
gnomAD v4.1: 1 of 1,612,174 alleles (0.000062%); highest among the groups gnomAD compares: Admixed American, 0.0017%; no homozygotes.

Submission:

Ambry Genetics
Classification: Uncertain significance for Hereditary cancer-predisposing syndrome. Last evaluated: 2021-09-26. Review status: criteria provided, single submitter. Criteria: Ambry Variant Classification Scheme 2023. Collection method: clinical testing. Allele origin: germline.
Comment: The p.K318R variant (also known as c.953A>G), located in coding exon 7 of the RAD50 gene, results from an A to G substitution at nucleotide position 953. The lysine at codon 318 is replaced by arginine, an amino acid with highly similar properties. This amino acid position is conserved. In addition, this alteration is predicted to be tolerated by in silico analysis. Since supporting evidence is limited at this time, the clinical significance of this alteration remains unclear.

NM_005732.4(RAD50):c.953A>G (p.Lys318Arg)

Gene: RAD50 (RAD50 double strand break repair protein; plus strand). Cytogenetic location: 5q31.1.
Variant type: single nucleotide variant.
Coding change: c.953A>G on transcript NM_005732.4 (MANE Select); coding-DNA position 953, A replaced by G.
Protein change: p.Lys318Arg; replaces lysine 318 with arginine.
Molecular consequence: missense variant.
Genome position (GRCh38, 1-based): chr5:132,587,991, A>G. VCF-style: chr5-132587991-A-G. GRCh37 (hg19) VCF-style: chr5-131923683-A-G.
Other names: short protein forms K318R.
Identifiers: ClinVar variation 1767301 (VCV001767301.2), dbSNP rs780830769, ClinGen allele CA3405065.